The following is an entry in ClinVar:

NM_017617.5(NOTCH1):c.2566G>A (p.Val856Ile)

Gene: NOTCH1 (notch receptor 1; minus strand). Cytogenetic location: 9q34.3.
Variant type: single nucleotide variant.
Coding change: c.2566G>A on transcript NM_017617.5 (MANE Select); coding-DNA position 2566, G replaced by A.
Protein change: p.Val856Ile; replaces valine 856 with isoleucine.
Molecular consequence: missense variant.
Genome position (GRCh38, 1-based): chr9:136,511,173, C>T on the plus strand (G>A on the coding strand, the complement: NOTCH1 is on the minus strand). VCF-style: chr9-136511173-C-T. GRCh37 (hg19) VCF-style: chr9-139405625-C-T.
Other names: short protein forms V856I.
Identifiers: ClinVar variation 3625106 (VCV003625106.2).

ClinVar aggregate classification (germline): Uncertain significance (1 of 4 stars; one submission).

Conditions:
Adams-Oliver syndrome 5 (AOS5). Identifiers: Orphanet 974, MedGen C4014970, MONDO:0014459, OMIM 616028.

Submission:

Labcorp Genetics (formerly Invitae), Labcorp
Classification: Uncertain significance for Adams-Oliver syndrome 5. Last evaluated: 2024-09-16. Review status: criteria provided, single submitter. Criteria: Invitae Variant Classification Sherloc (09022015). Collection method: clinical testing. Allele origin: germline.
Comment: This sequence change replaces valine, which is neutral and non-polar, with isoleucine, which is neutral and non-polar, at codon 856 of the NOTCH1 protein (p.Val856Ile). This variant is not present in population databases (gnomAD no frequency). This variant has not been reported in the literature in individuals affected with NOTCH1-related conditions. Invitae Evidence Modeling of protein sequence and biophysical properties (such as structural, functional, and spatial information, amino acid conservation, physicochemical variation, residue mobility, and thermodynamic stability) indicates that this missense variant is not expected to disrupt NOTCH1 protein function with a negative predictive value of 95%. In summary, the available evidence is currently insufficient to determine the role of this variant in disease. Therefore, it has been classified as a Variant of Uncertain Significance.